The following is an entry in ClinVar:

NM_001035.3(RYR2):c.409C>A (p.Arg137=)

Gene: RYR2 (ryanodine receptor 2; plus strand). Cytogenetic location: 1q43.
Variant type: single nucleotide variant.
Coding change: c.409C>A on transcript NM_001035.3 (MANE Select); coding-DNA position 409, C replaced by A.
Protein change: p.Arg137=; no amino-acid change (arginine 137 retained).
Molecular consequence: synonymous variant.
Genome position (GRCh38, 1-based): chr1:237,374,741, C>A. VCF-style: chr1-237374741-C-A. GRCh37 (hg19) VCF-style: chr1-237538041-C-A.
Identifiers: ClinVar variation 2051731 (VCV002051731.4), dbSNP rs761916230, ClinGen allele CA423808514.

ClinVar aggregate classification (germline): Uncertain significance (1 of 4 stars; one submission).

Conditions:
Catecholaminergic polymorphic ventricular tachycardia 1. Also called: VENTRICULAR TACHYCARDIA, STRESS-INDUCED POLYMORPHIC 1; VENTRICULAR TACHYCARDIA, CATECHOLAMINERGIC POLYMORPHIC, 1, WITH OR WITHOUT ATRIAL DYSFUNCTION AND/OR DILATED CARDIOMYOPATHY; RYR2-Related Catecholaminergic Polymorphic Ventricular Tachycardia. Identifiers: Orphanet 3286, MedGen C1631597, MONDO:0011484, OMIM 604772.

Submission:

Labcorp Genetics (formerly Invitae), Labcorp
Classification: Uncertain significance for Catecholaminergic polymorphic ventricular tachycardia 1. Last evaluated: 2021-12-21. Review status: criteria provided, single submitter. Criteria: Invitae Variant Classification Sherloc (09022015). Collection method: clinical testing. Allele origin: germline.
Comment: In summary, the available evidence is currently insufficient to determine the role of this variant in disease. Therefore, it has been classified as a Variant of Uncertain Significance. Algorithms developed to predict the effect of sequence changes on RNA splicing suggest that this variant may create or strengthen a splice site. This variant has not been reported in the literature in individuals affected with RYR2-related conditions. This variant is not present in population databases (gnomAD no frequency). This sequence change affects codon 137 of the RYR2 mRNA. It is a 'silent' change, meaning that it does not change the encoded amino acid sequence of the RYR2 protein.